The following is an entry in ClinVar:

NM_001080517.3(SETD5):c.2892_2895dup (p.His966fs)

Gene: SETD5 (SET domain containing 5; plus strand). Cytogenetic location: 3p25.3.
Variant type: Duplication.
Coding change: c.2892_2895dup on transcript NM_001080517.3 (MANE Select); coding-DNA positions 2892 to 2895, 4 bases duplicated (TGGA; older notation c.2892_2895dupTGGA).
Protein change: p.His966fs; shifts the reading frame from histidine 966.
Molecular consequence: frameshift variant.
Genome position (GRCh38, 1-based): chr3:9,470,626-9,470,629, TGGA duplicated; duplicating any 4 consecutive bases within chr3:9,470,624-9,470,629 gives the same sequence; the c. name uses the placement nearest the transcript's 3' end. VCF-style (leftmost placement, unchanged base first): chr3-9470623-A-AGATG. GRCh37 (hg19) VCF-style: chr3-9512307-A-AGATG.
Other names: c.2598_2601dup, p.His868fs (NM_001292043.2, NM_001349451.2); c.2988_2991dup, p.His998fs (NM_001437633.1); c.3006_3009dup, p.His1004fs (NM_001437635.1); c.2949_2952dup, p.His985fs (NM_001437643.1); c.2931_2934dup, p.His979fs (NM_001437701.1); short protein forms H1004fs, H979fs, H985fs, H998fs, H966fs, H868fs.
Identifiers: ClinVar variation 4294436 (VCV004294436.1).

ClinVar aggregate classification (germline): Likely pathogenic (1 of 4 stars; one submission).

Conditions:
Intellectual disability-facial dysmorphism syndrome due to SETD5 haploinsufficiency (MRD23). Also called: Intellectual developmental disorder, autosomal dominant 23. Identifiers: Orphanet 404440, MedGen C3810406, MONDO:0014336, OMIM 615761.

Submission:

Molecular Genetics Department, Kulakov National Medical Research Center for Obstetrics, Gynecology and Perinatology
Classification: Likely pathogenic for Intellectual disability-facial dysmorphism syndrome due to SETD5 haploinsufficiency. Review status: criteria provided, single submitter. Criteria: ACMG Guidelines, 2015. Collection method: clinical testing. Allele origin: germline. Affected: yes. Observed: 1 variant allele.
Comment: A previously undescribed heterozygous nucleotide variant creates a frameshift p.His966TrpfsTer45 in the SETD5 gene. Heterozygous variants are reported in patients with intellectual developmental disorder, autosomal dominant 23, 615761. It should be noted that this disorder is characterized by variable expressivity and incomplete penetrance [Powis et al., 2018, PMID: 28881385]. The variant is not present in population database (gnomAD no frequency). In summary, the currently available evidence indicates that the variant is pathogenic, but additional data are needed to prove that conclusively. Therefore, this variant has been classified as likely pathogenic.

Literature cited by the submitters: PubMed 28881385.